The following is an entry in ClinVar:

NM_006059.4(LAMC3):c.2891-94AACCCAGCACGCACTGCCCCTGGCCCCTCTA[2]

Gene: LAMC3 (laminin subunit gamma 3; plus strand). Cytogenetic location: 9q34.12.
Variant type: Microsatellite.
Coding change: c.2891-94AACCCAGCACGCACTGCCCCTGGCCCCTCTA[2] on transcript NM_006059.4 (MANE Select); two copies in a row of the 31-base unit AACCCAGCACGCACTGCCCCTGGCCCCTCTA starting at c.2891-94; the reference has three copies in a row; one copy, 31 bases deleted.
Molecular consequence: splice acceptor variant.
Genome position (GRCh38, 1-based): chr9:131,069,640-131,069,670, 31 bases deleted; deleting any 31 consecutive bases within chr9:131,069,578-131,069,670 gives the same sequence; the position shown is the placement nearest the transcript's 3' end. GRCh37 (hg19), VCF-style position (the base before the change): chr9:133,944,964.
Other names: c.2891-32_2891-2del (NM_006059.4).
Identifiers: ClinVar variation 4849285 (VCV004849285.1).
Genomic context (GRCh38, chr9:131,069,577, plus strand): 5'-TCTCCAGGGAAGGGCCCAGGAATGTTTTTGATGCTGCCTAGGGCATTCTGGGAACACCCA[GAACCCAGCACGCACTGCCCCTGGCCCCTCTA>G]AACCCAGCACGCACTGCCCCTGGCCCCTCTAAACCCAGCACGCACTGCCCCTGGCCCCTC-3'

ClinVar aggregate classification (germline): Likely pathogenic (1 of 4 stars; one submission).

Conditions:
Occipital pachygyria and polymicrogyria. Identifiers: Orphanet 280640, MedGen C3279875, MONDO:0013583, OMIM 614115.

Submission:

First Genomix Gene Laboratory, Genetic Diagnostics Department
Classification: Likely pathogenic for Occipital pachygyria and polymicrogyria. Last evaluated: 2025-05-19. Review status: criteria provided, single submitter. Criteria: ACMG Guidelines, 2015. Collection method: clinical testing. Allele origin: germline. Inheritance: Autosomal recessive inheritance. Affected: no. Observed: 1 variant allele.